The following is an entry in ClinVar:

ClinVar aggregate classification (germline): Uncertain significance. Review status: criteria provided, single submitter (1 of 4 stars). 2 submissions from 2 submitters: Uncertain significance (1). 1 of the submissions does not count toward it. Last evaluated 2023-05-26.

Conditions:
Prostate cancer. Also called: Malignant tumor of prostate. Identifiers: Orphanet 1331, MedGen C0376358, MONDO:0008315, HP:0012125.

Allele frequency attached by ClinVar (database versions not stated): gnomAD 0.00001; ExAC 0.00005; TOPMed 0.00005; gnomAD exomes 0.00004.
gnomAD v4.1: 47 of 1,613,946 alleles (0.0029%); highest among the groups gnomAD compares: Non-Finnish European, 0.0036%; no homozygotes.

Submissions (2):

Ambry Genetics
Classification: Uncertain significance. Last evaluated: 2023-05-26. Review status: criteria provided, single submitter. Criteria: Ambry Variant Classification Scheme 2023. Collection method: clinical testing. Allele origin: germline.

Science for Life laboratory,  Karolinska Institutet
Classification: Uncertain significance for Malignant tumor of prostate. Review status: no assertion criteria provided. Collection method: not provided. Allele origin: somatic. Not counted in ClinVar's aggregate classification.
Comment: TumorID:SWE-6
ClinVar note: Converted during submission from Unknown to Uncertain significance.

NM_001025231.3(KPRP):c.743G>A (p.Arg248His)

Gene: KPRP (keratinocyte proline rich protein; plus strand). Cytogenetic location: 1q21.3.
Variant type: single nucleotide variant.
Coding change: c.743G>A on transcript NM_001025231.3 (MANE Select); coding-DNA position 743, G replaced by A.
Protein change: p.Arg248His; replaces arginine 248 with histidine.
Molecular consequence: missense variant.
Genome position (GRCh38, 1-based): chr1:152,760,331, G>A. VCF-style: chr1-152760331-G-A. GRCh37 (hg19) VCF-style: chr1-152732807-G-A.
Other names: short protein forms R248H.
Identifiers: ClinVar variation 161497 (VCV000161497.5), dbSNP rs193921023, ClinGen allele CA174143.